The following is an entry in ClinVar:

ClinVar aggregate classification (germline): Uncertain significance. Review status: criteria provided, multiple submitters, no conflicts (2 of 4 stars). 2 submissions from 2 submitters: Uncertain significance (2). Last evaluated 2023-07-17.

Conditions:
Developmental and epileptic encephalopathy, 50 (DEE50). Also called: Epileptic encephalopathy, early infantile, 50. Identifiers: Orphanet 448010, MedGen C4225320, MONDO:0014647, OMIM 616457.

Allele frequency attached by ClinVar (database versions not stated): gnomAD exomes below 0.00001; ExAC 0.00001.
gnomAD v4.1: 2 of 1,613,194 alleles (0.00012%); highest among the groups gnomAD compares: Non-Finnish European, 0.00017%; no homozygotes.

Submissions (2):

Victorian Clinical Genetics Services, Murdoch Childrens Research Institute
Classification: Uncertain significance for Developmental and epileptic encephalopathy, 50. Last evaluated: 2023-07-17. Review status: criteria provided, single submitter. Criteria: ACMG Guidelines, 2015. Collection method: clinical testing. Allele origin: germline. Inheritance: Autosomal recessive inheritance. Affected: yes.
Comment: Based on the classification scheme VCGS_Germline_v1.3.4, this variant is classified as VUS-3B. Following criteria are met: 0102 - Loss of function is a known mechanism of disease in this gene and is associated with developmental and epileptic encephalopathy 50 (MIM#616457). (I) 0106 - This gene is associated with autosomal recessive disease. (I) 0200 - Variant is predicted to result in a missense amino acid change from aspartic acid to asparagine. (I) 0251 - This variant is heterozygous. (I) 0304 - Variant is present in gnomAD <0.01 for a recessive condition (v2: 1 heterozygote, 0 homozygotes). (SP) 0501 - Missense variant consistently predicted to be damaging by multiple in silico tools or highly conserved with a major amino acid change. (SP) 0600 - Variant is located in the annotated OTCace_N domain (DECIPHER). (I) 0705 - No comparable missense variants have previous evidence for pathogenicity. (I) 0809 - Previous evidence of pathogenicity for this variant is inconclusive. It has been classified as a VUS by a diagnostic laboratory in ClinVarar. (I) 0905 - No published segregation evidence has been identified for this variant. (I) 1007 - No published functional evidence has been identified for this variant. (I) Legend: (SP) - Supporting pathogenic, (I) - Information, (SB) - Supporting benign

Labcorp Genetics (formerly Invitae), Labcorp
Classification: Uncertain significance. Last evaluated: 2021-06-30. Review status: criteria provided, single submitter. Criteria: Invitae Variant Classification Sherloc (09022015). Collection method: clinical testing. Allele origin: germline.
Comment: This sequence change replaces aspartic acid with asparagine at codon 2019 of the CAD protein (p.Asp2019Asn). The aspartic acid residue is highly conserved and there is a small physicochemical difference between aspartic acid and asparagine. This variant is present in population databases (rs745685364, ExAC 0.002%). This variant has not been reported in the literature in individuals affected with CAD-related conditions. Algorithms developed to predict the effect of missense changes on protein structure and function are either unavailable or do not agree on the potential impact of this missense change (SIFT: "Deleterious"; PolyPhen-2: "Probably Damaging"; Align-GVGD: "Class C15"). In summary, the available evidence is currently insufficient to determine the role of this variant in disease. Therefore, it has been classified as a Variant of Uncertain Significance.

NM_004341.5(CAD):c.6055G>A (p.Asp2019Asn)

Gene: CAD (carbamoyl-phosphate synthetase 2, aspartate transcarbamylase, and dihydroorotase; plus strand). Cytogenetic location: 2p23.3.
Variant type: single nucleotide variant.
Coding change: c.6055G>A on transcript NM_004341.5 (MANE Select); coding-DNA position 6055, G replaced by A.
Protein change: p.Asp2019Asn; replaces aspartic acid 2019 with asparagine.
Molecular consequence: missense variant.
Genome position (GRCh38, 1-based): chr2:27,242,082, G>A. VCF-style: chr2-27242082-G-A. GRCh37 (hg19) VCF-style: chr2-27464950-G-A.
Other names: c.6055G>A (NM_004341.4); c.5866G>A, p.Asp1956Asn (NM_001306079.2); short protein forms D1956N, D2019N.
Identifiers: ClinVar variation 1425053 (VCV001425053.9), dbSNP rs745685364, ClinGen allele CA1574090.